The following is an entry in ClinVar:

NM_001558.4(IL10RA):c.13C>T (p.Leu5Phe)

Gene: IL10RA (interleukin 10 receptor subunit alpha; plus strand). Cytogenetic location: 11q23.3.
Variant type: single nucleotide variant.
Coding change: c.13C>T on transcript NM_001558.4 (MANE Select); coding-DNA position 13, C replaced by T.
Protein change: p.Leu5Phe; replaces leucine 5 with phenylalanine.
Molecular consequence: missense variant. On other transcripts: non-coding transcript variant (1).
Genome position (GRCh38, 1-based): chr11:117,986,480, C>T. VCF-style: chr11-117986480-C-T. GRCh37 (hg19) VCF-style: chr11-117857195-C-T.
Other names: short protein forms L5F.
Identifiers: ClinVar variation 2182429 (VCV002182429.3), dbSNP rs1390054292, ClinGen allele CA382771846.

ClinVar aggregate classification (germline): Uncertain significance (1 of 4 stars; one submission).

Conditions:
Inflammatory bowel disease 28. Also called: Inflammatory bowel disease 28, early onset, autosomal recessive. Identifiers: Orphanet 238569, MedGen C2751053, MONDO:0013153, OMIM 613148.

Allele frequency attached by ClinVar (database versions not stated): gnomAD exomes below 0.00001; TOPMed 0.00001; gnomAD 0.00003.

Submission:

Labcorp Genetics (formerly Invitae), Labcorp
Classification: Uncertain significance for Inflammatory bowel disease 28. Last evaluated: 2023-09-11. Review status: criteria provided, single submitter. Criteria: Invitae Variant Classification Sherloc (09022015). Collection method: clinical testing. Allele origin: germline.
Comment: ClinVar contains an entry for this variant (Variation ID: 2182429). In summary, the available evidence is currently insufficient to determine the role of this variant in disease. Therefore, it has been classified as a Variant of Uncertain Significance. Experimental studies and prediction algorithms are not available or were not evaluated, and the functional significance of this variant is currently unknown. This variant has not been reported in the literature in individuals affected with IL10RA-related conditions. This variant is present in population databases (no rsID available, gnomAD 0.006%). This sequence change replaces leucine, which is neutral and non-polar, with phenylalanine, which is neutral and non-polar, at codon 5 of the IL10RA protein (p.Leu5Phe).